The following is an entry in ClinVar:

ClinVar aggregate classification (germline): Uncertain significance (1 of 4 stars; one submission).

Allele frequency attached by ClinVar (database versions not stated): gnomAD 0.00001; TOPMed 0.00001; ExAC 0.00002.
gnomAD v4.1: 6 of 1,614,006 alleles (0.00037%); highest among the groups gnomAD compares: African/African-American, 0.0013%; no homozygotes.

Submission:

Labcorp Genetics (formerly Invitae), Labcorp
Classification: Uncertain significance. Last evaluated: 2024-10-28. Review status: criteria provided, single submitter. Criteria: Invitae Variant Classification Sherloc (09022015). Collection method: clinical testing. Allele origin: germline.
Comment: This sequence change replaces glutamic acid, which is acidic and polar, with glycine, which is neutral and non-polar, at codon 1565 of the CLTC protein (p.Glu1565Gly). This variant is present in population databases (rs756350995, gnomAD 0.009%). This variant has not been reported in the literature in individuals affected with CLTC-related conditions. ClinVar contains an entry for this variant (Variation ID: 1976817). Experimental studies and prediction algorithms are not available or were not evaluated, and the functional significance of this variant is currently unknown. In summary, the available evidence is currently insufficient to determine the role of this variant in disease. Therefore, it has been classified as a Variant of Uncertain Significance.

NM_004859.4(CLTC):c.4682A>G (p.Glu1561Gly)

Gene: CLTC (clathrin heavy chain; plus strand). Cytogenetic location: 17q23.1.
Variant type: single nucleotide variant.
Coding change: c.4682A>G on transcript NM_004859.4 (MANE Select); coding-DNA position 4682, A replaced by G.
Protein change: p.Glu1561Gly; replaces glutamic acid 1561 with glycine.
Molecular consequence: missense variant.
Genome position (GRCh38, 1-based): chr17:59,685,663, A>G. VCF-style: chr17-59685663-A-G. GRCh37 (hg19) VCF-style: chr17-57763024-A-G.
Other names: c.4694A>G, p.Glu1565Gly (NM_001288653.2); short protein forms E1565G, E1561G.
Identifiers: ClinVar variation 1976817 (VCV001976817.5), dbSNP rs756350995, ClinGen allele CA8681787.